The following is an entry in ClinVar:

ClinVar aggregate classification (germline): Likely benign (0 of 4 stars; one submission).

Conditions:
PLXNA1-related disorder. Also called: PLXNA1-related condition.

Allele frequency attached by ClinVar (database versions not stated): gnomAD exomes 0.00002; ExAC 0.00006; gnomAD 0.00007; ESP Exome Variant Server 0.00008; TOPMed 0.00009.
gnomAD v4.1: 41 of 1,612,968 alleles (0.0025%); highest among the groups gnomAD compares: African/African-American, 0.013%; no homozygotes.

Submission:

PreventionGenetics, part of Exact Sciences
Classification: Likely benign for PLXNA1-related condition. Last evaluated: 2022-12-29. Review status: no assertion criteria provided. Collection method: clinical testing. Allele origin: germline.
Comment: This variant is classified as likely benign based on ACMG/AMP sequence variant interpretation guidelines (Richards et al. 2015 PMID: 25741868, with internal and published modifications).

NM_032242.4(PLXNA1):c.4557G>A (p.Pro1519=)

Gene: PLXNA1 (plexin A1; plus strand). Cytogenetic location: 3q21.3.
Variant type: single nucleotide variant.
Coding change: c.4557G>A on transcript NM_032242.4 (MANE Select); coding-DNA position 4557, G replaced by A.
Protein change: p.Pro1519=; no amino-acid change (proline 1519 retained).
Molecular consequence: synonymous variant.
Genome position (GRCh38, 1-based): chr3:127,028,228, G>A. VCF-style: chr3-127028228-G-A. GRCh37 (hg19) VCF-style: chr3-126747071-G-A.
Identifiers: ClinVar variation 3030590 (VCV003030590.2), dbSNP rs376931897, ClinGen allele CA2594412.